The following is an entry in ClinVar:

NM_000440.3(PDE6A):c.1568T>A (p.Ile523Lys)

Gene: PDE6A (phosphodiesterase 6A; minus strand). Cytogenetic location: 5q32.
Variant type: single nucleotide variant.
Coding change: c.1568T>A on transcript NM_000440.3 (MANE Select); coding-DNA position 1568, T replaced by A.
Protein change: p.Ile523Lys; replaces isoleucine 523 with lysine.
Molecular consequence: missense variant.
Genome position (GRCh38, 1-based): chr5:149,896,408, A>T on the plus strand (T>A on the coding strand, the complement: PDE6A is on the minus strand). VCF-style: chr5-149896408-A-T. GRCh37 (hg19) VCF-style: chr5-149275971-A-T.
Other names: c.1325T>A, p.Ile442Lys (NM_001410788.1); short protein forms I442K, I523K.
Identifiers: ClinVar variation 4747541 (VCV004747541.1).
Genomic context (GRCh38, chr5:149,896,408, plus strand): 5'-GACCTCACCTCTTGTGGAATGTGAAATTTATCCACCACTTTGAGCTCATAATACATCTGT[A>T]TTCCACATTTTACCAGCTCCAGTTCTGTTAGGGGTAAGTCACTGAAGTGAAATTTATTAA-3'
Protein context (NP_000431.2, residues 513-533): LTELELVKCG[Ile523Lys]QMYYELKVVD

ClinVar aggregate classification (germline): Uncertain significance (1 of 4 stars; one submission).

Submission:

Labcorp Genetics (formerly Invitae), Labcorp
Classification: Uncertain significance. Last evaluated: 2025-11-08. Review status: criteria provided, single submitter. Criteria: Invitae Variant Classification Sherloc (09022015). Collection method: clinical testing. Allele origin: germline.
Comment: This sequence change replaces isoleucine, which is neutral and non-polar, with lysine, which is basic and polar, at codon 523 of the PDE6A protein (p.Ile523Lys). This variant is not present in population databases (gnomAD no frequency). This variant has not been reported in the literature in individuals affected with PDE6A-related conditions. Invitae Evidence Modeling of protein sequence and biophysical properties (such as structural, functional, and spatial information, amino acid conservation, physicochemical variation, residue mobility, and thermodynamic stability) has been performed for this missense variant. However, the output from this modeling did not meet the statistical confidence thresholds required to predict the impact of this variant on PDE6A protein function. In summary, the available evidence is currently insufficient to determine the role of this variant in disease. Therefore, it has been classified as a Variant of Uncertain Significance.